The following is an entry in ClinVar:

NM_006516.4(SLC2A1):c.1007T>C (p.Leu336Pro)

Gene: SLC2A1 (solute carrier family 2 member 1; minus strand). Cytogenetic location: 1p34.2.
Variant type: single nucleotide variant.
Coding change: c.1007T>C on transcript NM_006516.4 (MANE Select); coding-DNA position 1007, T replaced by C.
Protein change: p.Leu336Pro; replaces leucine 336 with proline.
Molecular consequence: missense variant.
Genome position (GRCh38, 1-based): chr1:42,928,999, A>G on the plus strand (T>C on the coding strand, the complement: SLC2A1 is on the minus strand). VCF-style: chr1-42928999-A-G. GRCh37 (hg19) VCF-style: chr1-43394670-A-G.
Other names: short protein forms L336P.
Identifiers: ClinVar variation 2763836 (VCV002763836.4), dbSNP rs2524988865, ClinGen allele CA339955958.

ClinVar aggregate classification (germline): Uncertain significance. Review status: criteria provided, multiple submitters, no conflicts (2 of 4 stars). 2 submissions from 2 submitters: Uncertain significance (2). Last evaluated 2023-09-27.

Conditions:
GLUT1 deficiency syndrome 1, autosomal recessive. Identifiers: MedGen C3149117.

Allele frequency attached by ClinVar (database versions not stated): gnomAD exomes below 0.00001.
gnomAD v4.1: 1 of 1,613,774 alleles (0.000062%); highest among the groups gnomAD compares: Non-Finnish European, 0.000085%; no homozygotes.

Submissions (2):

Labcorp Genetics (formerly Invitae), Labcorp
Classification: Uncertain significance for GLUT1 deficiency syndrome 1, autosomal recessive. Last evaluated: 2023-09-27. Review status: criteria provided, single submitter. Criteria: Invitae Variant Classification Sherloc (09022015). Collection method: clinical testing. Allele origin: germline.
Comment: This variant is not present in population databases (gnomAD no frequency). This sequence change replaces leucine, which is neutral and non-polar, with proline, which is neutral and non-polar, at codon 336 of the SLC2A1 protein (p.Leu336Pro). This variant has not been reported in the literature in individuals affected with SLC2A1-related conditions. In summary, the available evidence is currently insufficient to determine the role of this variant in disease. Therefore, it has been classified as a Variant of Uncertain Significance. Advanced modeling of protein sequence and biophysical properties (such as structural, functional, and spatial information, amino acid conservation, physicochemical variation, residue mobility, and thermodynamic stability) performed at Invitae indicates that this missense variant is expected to disrupt SLC2A1 protein function.

Blueprint Genetics
Classification: Uncertain significance. Last evaluated: 2023-05-23. Review status: criteria provided, single submitter. Criteria: ACMG Guidelines, 2015. Collection method: clinical testing. Allele origin: germline.